The following is an entry in ClinVar:

ClinVar aggregate classification (germline): Uncertain significance (1 of 4 stars; one submission).

Submission:

Labcorp Genetics (formerly Invitae), Labcorp
Classification: Uncertain significance. Last evaluated: 2018-11-29. Review status: criteria provided, single submitter. Criteria: Invitae Variant Classification Sherloc (09022015). Collection method: clinical testing. Allele origin: germline.
Comment: In summary, the available evidence is currently insufficient to determine the role of this variant in disease. Therefore, it has been classified as a Variant of Uncertain Significance. Algorithms developed to predict the effect of missense changes on protein structure and function are either unavailable or do not agree on the potential impact of this missense change (SIFT: "Deleterious"; PolyPhen-2: "Probably Damaging"; Align-GVGD: "Class C15"). This variant has been observed in an individual affected with clinical features of spondylocostal dysostosis (Invitae). The frequency data for this variant in the population databases is considered unreliable, as metrics indicate insufficient coverage at this position in the ExAC database. This sequence change replaces cysteine with tryptophan at codon 464 of the DLL3 protein (p.Cys464Trp). The cysteine residue is highly conserved and there is a large physicochemical difference between cysteine and tryptophan.

NM_203486.3(DLL3):c.1392T>G (p.Cys464Trp)

Gene: DLL3 (delta like canonical Notch ligand 3; plus strand). Cytogenetic location: 19q13.2.
Variant type: single nucleotide variant.
Coding change: c.1392T>G on transcript NM_203486.3 (MANE Select); coding-DNA position 1392, T replaced by G.
Protein change: p.Cys464Trp; replaces cysteine 464 with tryptophan.
Molecular consequence: missense variant.
Genome position (GRCh38, 1-based): chr19:39,507,337, T>G. VCF-style: chr19-39507337-T-G. GRCh37 (hg19) VCF-style: chr19-39997977-T-G.
Other names: c.1392T>G, p.Cys464Trp (NM_016941.4); short protein forms C464W.
Identifiers: ClinVar variation 650393 (VCV000650393.8), dbSNP rs1600758157, ClinGen allele CA405788568.
Genomic context (GRCh38, chr19:39,507,337, plus strand): 5'-CTACGCCCACTTCTCCGGCCTCGTCTGCGCTTGCGCTCCCGGCTACATGGGAGCGCGGTG[T>G]GAGTTCCCAGTGCACCCCGACGGCGCAAGCGCCTTGCCCGCGGCCCCGCCGGGCCTCAGG-3'
Protein context (NP_982353.1, residues 454-474): ACAPGYMGAR[Cys464Trp]EFPVHPDGAS